The following is an entry in ClinVar:

ClinVar aggregate classification (germline): Uncertain significance. Review status: criteria provided, multiple submitters, no conflicts (2 of 4 stars). 2 submissions from 2 submitters: Uncertain significance (2). Last evaluated 2025-03-04.

Conditions:
Hereditary cancer-predisposing syndrome. Also called: Hereditary neoplastic syndrome; Hereditary Cancer Syndrome; Neoplastic Syndromes, Hereditary; Tumor predisposition. Identifiers: Orphanet 140162, MedGen C0027672, MeSH D009386, MONDO:0015356.

Allele frequency attached by ClinVar (database versions not stated): gnomAD exomes below 0.00001.
gnomAD v4.1: 1 of 1,614,096 alleles (0.000062%); highest among the groups gnomAD compares: Non-Finnish European, 0.000085%; no homozygotes.

Submissions (2):

Center for Genomic Medicine, Rigshospitalet, Copenhagen University Hospital
Classification: Uncertain significance. Last evaluated: 2025-03-04. Review status: criteria provided, single submitter. Criteria: ACMG Guidelines, 2015. Collection method: clinical testing. Allele origin: germline.

Ambry Genetics
Classification: Uncertain significance for Hereditary cancer-predisposing syndrome. Last evaluated: 2023-05-03. Review status: criteria provided, single submitter. Criteria: Ambry Variant Classification Scheme 2023. Collection method: clinical testing. Allele origin: germline.
Comment: The p.V1021L variant (also known as c.3061G>C), located in coding exon 19 of the ATM gene, results from a G to C substitution at nucleotide position 3061. The valine at codon 1021 is replaced by leucine, an amino acid with highly similar properties. This amino acid position is highly conserved in available vertebrate species. In addition, the in silico prediction for this alteration is inconclusive. Since supporting evidence is limited at this time, the clinical significance of this alteration remains unclear.

NM_000051.4(ATM):c.3061G>C (p.Val1021Leu)

Gene: ATM (ATM serine/threonine kinase; plus strand). Cytogenetic location: 11q22.3.
Variant type: single nucleotide variant.
Coding change: c.3061G>C on transcript NM_000051.4 (MANE Select); coding-DNA position 3061, G replaced by C.
Protein change: p.Val1021Leu; replaces valine 1021 with leucine.
Molecular consequence: missense variant.
Genome position (GRCh38, 1-based): chr11:108,271,390, G>C. VCF-style: chr11-108271390-G-C. GRCh37 (hg19) VCF-style: chr11-108142117-G-C.
Other names: c.3061G>C, p.Val1021Leu (NM_001351834.2); short protein forms V1021L.
Identifiers: ClinVar variation 2568191 (VCV002568191.4), dbSNP rs2135554706, ClinGen allele CA382547647.
Genomic context (GRCh38, chr11:108,271,390, plus strand): 5'-CTAGGTCAAAGCAATATGGACTCTGAGAACACAAGGGATGCTCAAGGACAGTTTCTTACA[G>C]TAATTGGAGCATTTTGGTAGGTACAGTCTATTTTGTGGTCCTATTTTTCTTTTGCTATCT-3'
Protein context (NP_000042.3, residues 1011-1031): TRDAQGQFLT[Val1021Leu]IGAFWHLTKE